The following is an entry in ClinVar:

NM_005228.5(EGFR):c.2596G>A (p.Glu866Lys)

Gene: EGFR (epidermal growth factor receptor; plus strand). Cytogenetic location: 7p11.2.
Variant type: single nucleotide variant.
Coding change: c.2596G>A on transcript NM_005228.5 (MANE Select); coding-DNA position 2596, G replaced by A.
Protein change: p.Glu866Lys; replaces glutamic acid 866 with lysine.
Molecular consequence: missense variant.
Genome position (GRCh38, 1-based): chr7:55,191,845, G>A. VCF-style: chr7-55191845-G-A. GRCh37 (hg19) VCF-style: chr7-55259538-G-A.
Other names: c.2596G>A (NM_005228.3); c.2461G>A, p.Glu821Lys (NM_001346897.2, NM_001346899.2); c.2596G>A, p.Glu866Lys (NM_001346898.2); c.2437G>A, p.Glu813Lys (NM_001346900.2); c.1795G>A, p.Glu599Lys (NM_001346941.2); short protein forms E599K, E813K, E866K, E821K.
Identifiers: ClinVar variation 1040852 (VCV001040852.9), dbSNP rs756703787, ClinGen allele CA4266116.
Genomic context (GRCh38, chr7:55,191,845, plus strand): 5'-AAAACACCGCAGCATGTCAAGATCACAGATTTTGGGCTGGCCAAACTGCTGGGTGCGGAA[G>A]AGAAAGAATACCATGCAGAAGGAGGCAAAGTAAGGAGGTGGCTTTAGGTCAGCCAGCATT-3'
Protein context (NP_005219.2, residues 856-876): FGLAKLLGAE[Glu866Lys]KEYHAEGGKV

ClinVar aggregate classification (germline): Uncertain significance. Review status: criteria provided, multiple submitters, no conflicts (2 of 4 stars). 2 submissions from 2 submitters: Uncertain significance (2). Last evaluated 2025-05-20.

Conditions:
Hereditary cancer-predisposing syndrome. Also called: Hereditary Cancer Syndrome; Tumor predisposition; Hereditary neoplastic syndrome; Neoplastic Syndromes, Hereditary. Identifiers: Orphanet 140162, MedGen C0027672, MeSH D009386, MONDO:0015356.
EGFR-related lung cancer (EGFR). Identifiers: MedGen CN130014.

Allele frequency attached by ClinVar (database versions not stated): gnomAD exomes below 0.00001; ExAC 0.00001.
gnomAD v4.1: 3 of 1,614,050 alleles (0.00019%); highest among the groups gnomAD compares: South Asian, 0.0022%; no homozygotes.

Submissions (2):

Ambry Genetics
Classification: Uncertain significance for Hereditary cancer-predisposing syndrome. Last evaluated: 2025-05-20. Review status: criteria provided, single submitter. Criteria: Ambry Variant Classification Scheme 2023. Collection method: clinical testing. Allele origin: germline.
Comment: The p.E866K variant (also known as c.2596G>A), located in coding exon 21 of the EGFR gene, results from a G to A substitution at nucleotide position 2596. The glutamic acid at codon 866 is replaced by lysine, an amino acid with similar properties. This amino acid position is highly conserved in available vertebrate species. In addition, this alteration is predicted to be deleterious by in silico analysis. Based on the available evidence, the clinical significance of this variant remains unclear.

Labcorp Genetics (formerly Invitae), Labcorp
Classification: Uncertain significance for EGFR-related lung cancer. Last evaluated: 2021-04-16. Review status: criteria provided, single submitter. Criteria: Invitae Variant Classification Sherloc (09022015). Collection method: clinical testing. Allele origin: germline.
Comment: This sequence change replaces glutamic acid with lysine at codon 866 of the EGFR protein (p.Glu866Lys). The glutamic acid residue is moderately conserved and there is a small physicochemical difference between glutamic acid and lysine. In summary, the available evidence is currently insufficient to determine the role of this variant in disease. Therefore, it has been classified as a Variant of Uncertain Significance. Algorithms developed to predict the effect of missense changes on protein structure and function are either unavailable or do not agree on the potential impact of this missense change (SIFT: "Tolerated"; PolyPhen-2: "Probably Damaging"; Align-GVGD: "Class C0"). This variant has not been reported in the literature in individuals with EGFR-related conditions. This variant is present in population databases (rs756703787, ExAC 0.006%).